The following is an entry in ClinVar:

ClinVar aggregate classification (germline): Uncertain significance. Review status: criteria provided, multiple submitters, no conflicts (2 of 4 stars). 2 submissions from 2 submitters: Uncertain significance (2). Last evaluated 2026-03-05.

Conditions:
PCDH15-related disorder. Also called: PCDH15-related disorders; PCDH15-related condition.

gnomAD v4.1: 40 of 1,613,784 alleles (0.0025%); highest among the groups gnomAD compares: Middle Eastern, 0.033%; no homozygotes.

Submissions (2):

PreventionGenetics, part of Exact Sciences
Classification: Uncertain significance for PCDH15-related condition. Last evaluated: 2026-03-05. Review status: criteria provided, single submitter. Criteria: ACMG Guidelines, 2015. Collection method: clinical testing. Allele origin: germline.
Comment: The PCDH15 c.5057A>G variant is predicted to result in the amino acid substitution p.Lys1686Arg. To our knowledge, this variant has not been reported in the literature. This variant is reported in 0.0065% of alleles in individuals of South Asian descent in gnomAD. At this time, the clinical significance of this variant is uncertain due to the absence of conclusive functional and genetic evidence.

Blueprint Genetics
Classification: Uncertain significance. Last evaluated: 2019-02-07. Review status: criteria provided, single submitter. Criteria: ACMG Guidelines, 2015. Collection method: clinical testing. Allele origin: germline.

NM_001384140.1(PCDH15):c.5123A>G (p.Lys1708Arg)

Gene: PCDH15 (protocadherin related 15; minus strand). Cytogenetic location: 10q21.1.
Variant type: single nucleotide variant.
Coding change: c.5123A>G on transcript NM_001384140.1 (MANE Select); coding-DNA position 5123, A replaced by G.
Protein change: p.Lys1708Arg; replaces lysine 1708 with arginine.
Molecular consequence: missense variant.
Genome position (GRCh38, 1-based): chr10:53,806,679, T>C on the plus strand (A>G on the coding strand, the complement: PCDH15 is on the minus strand). VCF-style: chr10-53806679-T-C. GRCh37 (hg19) VCF-style: chr10-55566439-T-C.
Other names: c.4949A>G, p.Lys1650Arg (NM_001142771.2); c.4934A>G, p.Lys1645Arg (NM_001142772.2); c.4928A>G, p.Lys1643Arg (NM_001354420.2); c.5057A>G, p.Lys1686Arg (NM_001354429.2); c.5057A>G (NM_001354429.1); short protein forms K1650R, K1686R, K1708R, K1643R, K1645R.
Identifiers: ClinVar variation 4907322 (VCV004907322.2).